The following is an entry in ClinVar:

NM_006231.4(POLE):c.4372T>C (p.Trp1458Arg)

Gene: POLE (DNA polymerase epsilon, catalytic subunit; minus strand). Cytogenetic location: 12q24.33.
Variant type: single nucleotide variant.
Coding change: c.4372T>C on transcript NM_006231.4 (MANE Select); coding-DNA position 4372, T replaced by C.
Protein change: p.Trp1458Arg; replaces tryptophan 1458 with arginine.
Molecular consequence: missense variant.
Genome position (GRCh38, 1-based): chr12:132,643,479, A>G on the plus strand (T>C on the coding strand, the complement: POLE is on the minus strand). VCF-style: chr12-132643479-A-G. GRCh37 (hg19) VCF-style: chr12-133220065-A-G.
Other names: short protein forms W1458R.
Identifiers: ClinVar variation 4844277 (VCV004844277.1).

ClinVar aggregate classification (germline): Uncertain significance (1 of 4 stars; one submission).

Conditions:
Hereditary cancer-predisposing syndrome. Also called: Neoplastic Syndromes, Hereditary; Tumor predisposition; Hereditary Cancer Syndrome; Hereditary neoplastic syndrome. Identifiers: Orphanet 140162, MedGen C0027672, MeSH D009386, MONDO:0015356.

Submission:

Ambry Genetics
Classification: Uncertain significance for Hereditary cancer-predisposing syndrome. Last evaluated: 2026-02-16. Review status: criteria provided, single submitter. Criteria: Ambry Variant Classification Scheme 2023. Collection method: clinical testing. Allele origin: germline.
Comment: The p.W1458R variant (also known as c.4372T>C), located in coding exon 34 of the POLE gene, results from a T to C substitution at nucleotide position 4372. The tryptophan at codon 1458 is replaced by arginine, an amino acid with dissimilar properties. This amino acid position is conserved. In addition, this alteration is predicted to be tolerated by in silico analysis. Based on the available evidence, the clinical significance of this variant remains unclear.